The following is an entry in ClinVar:

NM_182914.3(SYNE2):c.11609A>G (p.Gln3870Arg)

Gene: SYNE2 (spectrin repeat containing nuclear envelope protein 2; plus strand). Cytogenetic location: 14q23.2.
Variant type: single nucleotide variant.
Coding change: c.11609A>G on transcript NM_182914.3 (MANE Select); coding-DNA position 11609, A replaced by G.
Protein change: p.Gln3870Arg; replaces glutamine 3870 with arginine.
Molecular consequence: missense variant.
Genome position (GRCh38, 1-based): chr14:64,087,795, A>G. VCF-style: chr14-64087795-A-G. GRCh37 (hg19) VCF-style: chr14-64554513-A-G.
Other names: c.11609A>G, p.Gln3870Arg (NM_015180.6); short protein forms Q3870R.
Identifiers: ClinVar variation 2005088 (VCV002005088.4), dbSNP rs2548701707, ClinGen allele CA389946162.

ClinVar aggregate classification (germline): Uncertain significance (1 of 4 stars; one submission).

Conditions:
Emery-Dreifuss muscular dystrophy 5, autosomal dominant (EDMD5). Also called: EMERY-DREIFUSS MUSCULAR DYSTROPHY 5. Identifiers: Orphanet 261, MedGen C2751805, MONDO:0013072, OMIM 612999.

Submission:

Labcorp Genetics (formerly Invitae), Labcorp
Classification: Uncertain significance for Emery-Dreifuss muscular dystrophy 5, autosomal dominant. Last evaluated: 2022-06-13. Review status: criteria provided, single submitter. Criteria: Invitae Variant Classification Sherloc (09022015). Collection method: clinical testing. Allele origin: germline.
Comment: This sequence change replaces glutamine, which is neutral and polar, with arginine, which is basic and polar, at codon 3870 of the SYNE2 protein (p.Gln3870Arg). This variant is not present in population databases (gnomAD no frequency). In summary, the available evidence is currently insufficient to determine the role of this variant in disease. Therefore, it has been classified as a Variant of Uncertain Significance. Algorithms developed to predict the effect of missense changes on protein structure and function output the following: SIFT: "Tolerated"; PolyPhen-2: "Probably Damaging"; Align-GVGD: "Class C0". The arginine amino acid residue is found in multiple mammalian species, which suggests that this missense change does not adversely affect protein function. This variant has not been reported in the literature in individuals affected with SYNE2-related conditions.